The following is an entry in ClinVar:

NM_003630.3(PEX3):c.912G>C (p.Gln304His)

Gene: PEX3 (peroxisomal biogenesis factor 3; plus strand). Cytogenetic location: 6q24.2.
Variant type: single nucleotide variant.
Coding change: c.912G>C on transcript NM_003630.3 (MANE Select); coding-DNA position 912, G replaced by C.
Protein change: p.Gln304His; replaces glutamine 304 with histidine.
Molecular consequence: missense variant.
Genome position (GRCh38, 1-based): chr6:143,479,169, G>C. VCF-style: chr6-143479169-G-C. GRCh37 (hg19) VCF-style: chr6-143800306-G-C.
Other names: short protein forms Q304H.
Identifiers: ClinVar variation 1502684 (VCV001502684.6), dbSNP rs1273404572, ClinGen allele CA365886195.

ClinVar aggregate classification (germline): Uncertain significance (1 of 4 stars; one submission).

Allele frequency attached by ClinVar (database versions not stated): gnomAD 0.00001; gnomAD exomes 0.00001; TOPMed 0.00001.

Submission:

Labcorp Genetics (formerly Invitae), Labcorp
Classification: Uncertain significance. Last evaluated: 2021-09-16. Review status: criteria provided, single submitter. Criteria: Invitae Variant Classification Sherloc (09022015). Collection method: clinical testing. Allele origin: germline.
Comment: In summary, the available evidence is currently insufficient to determine the role of this variant in disease. Therefore, it has been classified as a Variant of Uncertain Significance. Algorithms developed to predict the effect of missense changes on protein structure and function are either unavailable or do not agree on the potential impact of this missense change (SIFT: "Tolerated"; PolyPhen-2: "Possibly Damaging"; Align-GVGD: "Class C0"). This variant has not been reported in the literature in individuals affected with PEX3-related conditions. This variant is not present in population databases (ExAC no frequency). This sequence change replaces glutamine with histidine at codon 304 of the PEX3 protein (p.Gln304His). The glutamine residue is moderately conserved and there is a small physicochemical difference between glutamine and histidine.